The following is an entry in ClinVar:

ClinVar aggregate classification (germline): Uncertain significance (1 of 4 stars; one submission).

Conditions:
Hereditary cancer-predisposing syndrome. Also called: Tumor predisposition; Hereditary neoplastic syndrome; Hereditary Cancer Syndrome; Neoplastic Syndromes, Hereditary. Identifiers: Orphanet 140162, MedGen C0027672, MeSH D009386, MONDO:0015356.

Submission:

Ambry Genetics
Classification: Uncertain significance for Hereditary cancer-predisposing syndrome. Last evaluated: 2024-01-25. Review status: criteria provided, single submitter. Criteria: Ambry Variant Classification Scheme 2023. Collection method: clinical testing. Allele origin: germline.
Comment: The p.H223Q variant (also known as c.669C>A), located in coding exon 4 of the NTHL1 gene, results from a C to A substitution at nucleotide position 669. The histidine at codon 223 is replaced by glutamine, an amino acid with highly similar properties. This amino acid position is conserved. In addition, the in silico prediction for this alteration is inconclusive. Based on the available evidence, the clinical significance of this alteration remains unclear.

NM_002528.7(NTHL1):c.645C>A (p.His215Gln)

Gene: NTHL1 (nth like DNA glycosylase 1; minus strand). Cytogenetic location: 16p13.3.
Variant type: single nucleotide variant.
Coding change: c.645C>A on transcript NM_002528.7 (MANE Select); coding-DNA position 645, C replaced by A.
Protein change: p.His215Gln; replaces histidine 215 with glutamine.
Molecular consequence: missense variant.
Genome position (GRCh38, 1-based): chr16:2,043,607, G>T on the plus strand (C>A on the coding strand, the complement: NTHL1 is on the minus strand). VCF-style: chr16-2043607-G-T. GRCh37 (hg19) VCF-style: chr16-2093608-G-T.
Other names: c.474C>A, p.His158Gln (NM_001318193.2); c.315C>A, p.His105Gln (NM_001318194.2); short protein forms H105Q, H158Q, H215Q.
Identifiers: ClinVar variation 3222679 (VCV003222679.1), dbSNP rs2150941217, ClinGen allele CA394291166.